The following is an entry in ClinVar:

ClinVar aggregate classification (germline): Uncertain significance (1 of 4 stars; one submission).

Submission:

GeneDx
Classification: Uncertain significance. Last evaluated: 2022-04-09. Review status: criteria provided, single submitter. Criteria: GeneDx Variant Classification Process June 2021. Collection method: clinical testing. Allele origin: germline. Affected: yes.
Comment: Not observed at significant frequency in large population cohorts (gnomAD); In silico analysis supports that this missense variant does not alter protein structure/function; Has not been previously published as pathogenic or benign to our knowledge

NM_020719.3(PRR12):c.3674T>C (p.Leu1225Pro)

Gene: PRR12 (proline rich 12; plus strand). Cytogenetic location: 19q13.33.
Variant type: single nucleotide variant.
Coding change: c.3674T>C on transcript NM_020719.3 (MANE Select); coding-DNA position 3674, T replaced by C.
Protein change: p.Leu1225Pro; replaces leucine 1225 with proline.
Molecular consequence: missense variant.
Genome position (GRCh38, 1-based): chr19:49,598,009, T>C. VCF-style: chr19-49598009-T-C. GRCh37 (hg19) VCF-style: chr19-50101266-T-C.
Other names: short protein forms L1225P.
Identifiers: ClinVar variation 1710549 (VCV001710549.2), dbSNP rs2514275703, ClinGen allele CA406886012.